The following is an entry in ClinVar:

ClinVar aggregate classification (germline): Uncertain significance. Review status: criteria provided, multiple submitters, no conflicts (2 of 4 stars). 5 submissions from 5 submitters: Uncertain significance (5). Last evaluated 2025-02-05.

Conditions:
Autosomal systemic lupus erythematosus type 16. Also called: Systemic lupus erythematosus 16. Identifiers: Orphanet 300345, MedGen C3280742, MONDO:0013743, OMIM 614420.

Allele frequency attached by ClinVar (database versions not stated): ExAC 0.00014; gnomAD exomes 0.00015; gnomAD 0.00017; TOPMed 0.00017; 1000 Genomes Project 0.00020; 1000 Genomes Project 30x 0.00031; ESP Exome Variant Server 0.00054.

Submissions (5):

Mayo Clinic Laboratories, Mayo Clinic
Classification: Uncertain significance. Last evaluated: 2025-02-05. Review status: criteria provided, single submitter. Criteria: ACMG Guidelines, 2015. Collection method: clinical testing. Allele origin: germline. Observed: 1 variant allele.
Comment: PS3_supporting

Women's Health and Genetics/Laboratory Corporation of America, LabCorp
Classification: Uncertain significance. Last evaluated: 2025-01-28. Review status: criteria provided, single submitter. Criteria: LabCorp Variant Classification Summary - May 2015. Collection method: clinical testing. Allele origin: germline.
Comment: Variant summary: DNASE1L3 c.274C>T (p.Arg92Trp) results in a non-conservative amino acid change in the encoded protein sequence. Five of five in-silico tools predict a damaging effect of the variant on protein function. The variant allele was found at a frequency of 0.00015 in 251382 control chromosomes (gnomAD). This frequency is not significantly higher than estimated for a pathogenic variant in DNASE1L3 causing Autosomal systemic lupus erythematosus type 16 (0.00015 vs 0.0011), allowing no conclusion about variant significance. To our knowledge, no occurrence of c.274C>T in individuals affected with Autosomal systemic lupus erythematosus type 16 has been reported. At least one publication reports experimental evidence evaluating an impact on protein function and this variant results in reducing enzyme activity (Ueki_2014). The following publication have been ascertained in the context of this evaluation (PMID: 24206041). ClinVar contains an entry for this variant (Variation ID: 1429970). Based on the evidence outlined above, the variant was classified as VUS-possibly pathogenic.

Blueprint Genetics
Classification: Uncertain significance. Last evaluated: 2024-09-05. Review status: criteria provided, single submitter. Criteria: ACMG Guidelines, 2015. Collection method: clinical testing. Allele origin: germline.

Fulgent Genetics
Classification: Uncertain significance for Autosomal systemic lupus erythematosus type 16. Last evaluated: 2023-12-21. Review status: criteria provided, single submitter. Criteria: ACMG Guidelines, 2015. Collection method: clinical testing. Allele origin: germline.

Labcorp Genetics (formerly Invitae), Labcorp
Classification: Uncertain significance. Last evaluated: 2022-09-24. Review status: criteria provided, single submitter. Criteria: Invitae Variant Classification Sherloc (09022015). Collection method: clinical testing. Allele origin: germline.
Comment: This sequence change replaces arginine, which is basic and polar, with tryptophan, which is neutral and slightly polar, at codon 92 of the DNASE1L3 protein (p.Arg92Trp). This variant is present in population databases (rs141477807, gnomAD 0.03%). This variant has not been reported in the literature in individuals affected with DNASE1L3-related conditions. ClinVar contains an entry for this variant (Variation ID: 1429970). Algorithms developed to predict the effect of missense changes on protein structure and function (SIFT, PolyPhen-2, Align-GVGD) all suggest that this variant is likely to be disruptive. Experimental studies have shown that this missense change affects DNASE1L3 function (PMID: 24206041). In summary, the available evidence is currently insufficient to determine the role of this variant in disease. Therefore, it has been classified as a Variant of Uncertain Significance.

Literature cited by the submitters: PubMed 24206041 (cited by 3 submitters).

NM_004944.4(DNASE1L3):c.274C>T (p.Arg92Trp)

Gene: DNASE1L3 (deoxyribonuclease 1L3; minus strand). Cytogenetic location: 3p14.3.
Variant type: single nucleotide variant.
Coding change: c.274C>T on transcript NM_004944.4 (MANE Select); coding-DNA position 274, C replaced by T.
Protein change: p.Arg92Trp; replaces arginine 92 with tryptophan.
Molecular consequence: missense variant. On other transcripts: intron variant (1).
Genome position (GRCh38, 1-based): chr3:58,205,517, G>A on the plus strand (C>T on the coding strand, the complement: DNASE1L3 is on the minus strand). VCF-style: chr3-58205517-G-A. GRCh37 (hg19) VCF-style: chr3-58191244-G-A.
Other names: p.Arg92Trp; c.231-636C>T (NM_001256560.2); short protein forms R92W.
Identifiers: ClinVar variation 1429970 (VCV001429970.9), dbSNP rs141477807, ClinGen allele CA2470062.
Genomic context (GRCh38, chr3:58,205,517, plus strand): 5'-TAGGTGATACTTACTTGTAGAGAAAGGCATATTGTTCTTTATATGTGTTTCTTCCAAGCC[G>A]AGAGCTAATCACATAGTTGTACGTTATGCCTCTCCTTGAATTTCTAGAAAACAAAGATTT-3'
Protein context (NP_004935.1, residues 82-102): GITYNYVISS[Arg92Trp]LGRNTYKEQY